The following is an entry in ClinVar:

NM_001605.3(AARS1):c.1786C>T (p.Pro596Ser)

Gene: AARS1 (alanyl-tRNA synthetase 1; minus strand). Cytogenetic location: 16q22.1.
Variant type: single nucleotide variant.
Coding change: c.1786C>T on transcript NM_001605.3 (MANE Select); coding-DNA position 1786, C replaced by T.
Protein change: p.Pro596Ser; replaces proline 596 with serine.
Molecular consequence: missense variant.
Genome position (GRCh38, 1-based): chr16:70,259,186, G>A on the plus strand (C>T on the coding strand, the complement: AARS1 is on the minus strand). VCF-style: chr16-70259186-G-A. GRCh37 (hg19) VCF-style: chr16-70293089-G-A.
Other names: short protein forms P596S.
Identifiers: ClinVar variation 1299302 (VCV001299302.1), dbSNP rs780249378, ClinGen allele CA396558448.

ClinVar aggregate classification (germline): Uncertain significance (1 of 4 stars; one submission).

Conditions:
Developmental and epileptic encephalopathy, 29 (DEE29). Also called: Epileptic encephalopathy, early infantile, 29. Identifiers: Orphanet 442835, MedGen C4225361, MONDO:0014593, OMIM 616339.

Submission:

Breda Genetics srl
Classification: Uncertain significance for Developmental and epileptic encephalopathy, 29. Last evaluated: 2021-02-03. Review status: criteria provided, single submitter. Criteria: ACMG Guidelines, 2015. Collection method: clinical testing. Allele origin: germline. Inheritance: Autosomal recessive inheritance. Affected: no. Observed: 1 variant allele, 1 heterozygote.
Comment: Based on allele frequency, in-silico prediction scores and a certain overlap with the clinical phenotype, we interpreted this variant at least as of uncertain significance. The lack of one or more of the following features has discouraged further investigations: lack of a possible second hit in autosomal recessive conditions, presence of healthy controls in databases for autosomal dominant conditions, presence of unmatching cardinal clinical features in the patient or in the known gene-disease association, and/or variant type outside the known gene mutational spectrum.